The following is an entry in ClinVar:

NC_000002.12:g.(?_201228913)_(201286614_?)del

Genes: CASP10 (caspase 10; plus strand), CASP8 (caspase 8; plus strand), LOC129935409 (ATAC-STARR-seq lymphoblastoid active region 16985; plus strand), LOC129935407 (ATAC-STARR-seq lymphoblastoid active region 16983; plus strand), LOC129935412 (ATAC-STARR-seq lymphoblastoid active region 16989; plus strand) and 4 more. Cytogenetic location: 2q33.1.
Variant type: Deletion.
Identifiers: ClinVar variation 659600 (VCV000659600.2).

ClinVar aggregate classification (germline): Pathogenic (1 of 4 stars; one submission).

Conditions:
Autoimmune lymphoproliferative syndrome type 2B. Also called: AUTOIMMUNE LYMPHOPROLIFERATIVE SYNDROME, TYPE IIB. Identifiers: Orphanet 275517, MedGen C1846545, MONDO:0011804, OMIM 607271.

Submission:

Labcorp Genetics (formerly Invitae), Labcorp
Classification: Pathogenic for Caspase-8 deficiency. Last evaluated: 2019-03-01. Review status: criteria provided, single submitter. Criteria: Invitae Variant Classification Sherloc (09022015). Collection method: clinical testing. Allele origin: germline.
Comment: A gross deletion of the genomic region encompassing the full coding sequence of the CASP8 gene has been identified. The boundaries of this event are unknown as the deletion extends beyond the assayed region for this gene and therefore may encompass additional genes. This variant has not been reported in the literature in individuals with CASP8-related disease. Loss-of-function variants in CASP8 are known to be pathogenic (PMID: 12353035, 25814141). For these reasons, this variant has been classified as Pathogenic.